The following continues an entry in ClinVar:

NM_007294.4(BRCA1):c.213-11T>G

Gene: BRCA1. ClinVar aggregate classification (germline): Pathogenic. Pathogenic (21).

Submissions 9 to 19 of 27:

Ambry Genetics
Classification: Pathogenic for Hereditary cancer-predisposing syndrome. Last evaluated: 2024-12-06. Review status: criteria provided, single submitter. Criteria: Ambry Variant Classification Scheme 2023. Collection method: clinical testing. Allele origin: germline.
Comment: The c.213-11T>G intronic pathogenic mutation results from a T to G substitution eleven nucleotides before coding exon 4 of the BRCA1 gene. In three in vitro studies, this mutation was found to activate a cryptic splice site that leads to the retention of 59 base pairs at the 5' end of coding exon 4, leading to a premature stop codon and a truncated protein product (Colombo M et al. PLoS One. 2013 Mar;8:e57173; Friedman LS et al. Nat. Genet. 1994 Dec;8:399-404; Houdayer C et al. Hum. Mutat. 2012 Aug;33:1228-38). In addition, this mutation has been observed in multiple breast and ovarian cancer families to date (Wong-Brown MW et al. Breast Cancer Res. Treat. 2015 Feb;150:71-80; Ellingson MS et al. Breast Cancer Res. Treat. 2015 Sep;153:435-43; Hall MJ et al. Cancer. 2009 May;115:2222-33; John EM et al. JAMA. 2007 Dec;298:2869-76; Musolino A et al. Tumori. 2005 Nov-Dec;91:505-12), including one in which this mutation was reported to segregate with disease through three generations (Friedman LS et al. Nat. Genet. 1994 Dec;8:399-404). Of note, this mutation is also designated as IVS5-11T>G and 75Stop in published literature. This nucleotide position is well conserved in available vertebrate species. In silico splice site analysis predicts that this alteration will weaken the native splice acceptor site. Based on the supporting evidence, this alteration is interpreted as a disease-causing mutation.

Institute for Genomic Medicine (IGM) Clinical Laboratory, Nationwide Children's Hospital
Classification: Pathogenic for Hereditary cancer-predisposing syndrome. Last evaluated: 2024-11-12. Review status: criteria provided, single submitter. Criteria: ACMG Guidelines, 2015. Collection method: clinical testing. Allele origin: germline.
Comment: Well-established functional studies have demonstrated this variant to have a damaging effect on protein function or splicing (ACMG/AMP: PS3; PMIDs:18424508, 23451180, 22505045). This variant has been reported at an elevated frequency in affected individuals/in multiple affected individuals in the literature (ACMG/AMP: PS4; PMIDs:7894493, 22505045, 18159056, 25452441, 26296701, 27062684, 33484353, 24728189). This variant has been shown to segregate with disease in multiple affected family members (ACMG/AMP: PP1_VeryStrong; PMID:7894493).

All of Us Research Program, National Institutes of Health
Classification: Pathogenic for BRCA1-related cancer predisposition. Last evaluated: 2024-09-16. Review status: criteria provided, single submitter. Criteria: ACMG Guidelines, 2015. Collection method: clinical testing. Allele origin: germline. Inheritance: Autosomal dominant inheritance. Observed: 8 variant alleles, 8 heterozygotes.
Comment: This variant causes a T to G nucleotide substitution at the -11 position of intron 4 of the BRCA1 gene. RNA studies have shown that this variant causes retention of 59 nucleotides at the 3' end of intron 4 (PMID: 18424508, 23451180). This is expected to create a frameshift and premature translation stop signal, resulting in an absent or non-functional protein product. This variant has been reported to segregate with disease in a large family affected with breast and ovarian cancer (PMID: 7894493), and has been observed in several unrelated individuals affected with breast, ovarian and/or endometrial cancer (PMID: 18284688, 21993507, 25452441, 10923033, 22144684, 33484353, 34072659). This variant has also been identified in 3/250918 chromosomes in the general population by the Genome Aggregation Database (gnomAD). Loss of BRCA1 function is a known mechanism of disease. Based on the available evidence, this variant is classified as Pathogenic.

This study involves interpretation of variants in research participants for the purpose of population health screening. Participant phenotype was not available at the time of variant classification. Additional details can be found in publication PMID: 35346344, PMCID: PMC8962531

Color Diagnostics, LLC DBA Color Health
Classification: Pathogenic for Hereditary cancer-predisposing syndrome. Last evaluated: 2024-07-17. Review status: criteria provided, single submitter. Criteria: ACMG Guidelines, 2015. Collection method: clinical testing. Allele origin: germline.
Comment: This variant causes a T to G nucleotide substitution at the -11 position of intron 4 of the BRCA1 gene. RNA studies have shown that this variant causes retention of 59 nucleotides at the 3' end of intron 4 (PMID: 18424508, 23451180). This is expected to create a frameshift and premature translation stop signal, resulting in an absent or non-functional protein product. This variant has been reported to segregate with disease in a large family affected with breast and ovarian cancer (PMID: 7894493), and has been observed in several unrelated individuals affected with breast, ovarian and/or endometrial cancer (PMID: 18284688, 21993507, 25452441, 10923033, 22144684, 33484353, 34072659). This variant has also been identified in 3/250918 chromosomes in the general population by the Genome Aggregation Database (gnomAD). Loss of BRCA1 function is a known mechanism of disease. Based on the available evidence, this variant is classified as Pathogenic.

Quest Diagnostics Nichols Institute San Juan Capistrano
Classification: Pathogenic. Last evaluated: 2024-01-04. Review status: criteria provided, single submitter. Criteria: Quest Diagnostics criteria. Collection method: clinical testing. Allele origin: unknown.
Comment: The BRCA1 c.213-11T>G variant has been reported in the published literature in individuals and families with hereditary breast and/or ovarian cancer (PMIDs: 7894493 (1994), 16457150 (2005), 18159056 (2007), 21170264 (2010), 21993507 (2012), 22711857 (2012), 23451180 (2013), 24728189 (2014), 25682074 (2015), 26296701 (2015), 27062684 (2016), 288888541 (2017), 30322717 (2018), 30551077 (2019), 31360904 (2019), 32504368 (2020), 34072659 (2021), 36292577 (2022), 36169650 (2022), 36119527 (2022), 33758026 (2022)). RNA splicing studies have shown that this variant interferes with BRCA1 mRNA splicing by activating a cryptic splice-site and causing the inclusion of 59 base pairs of intronic sequence in the BRCA1 mRNA (PMIDs: 18424508 (2008), 22505045 (2012), and 23451180 (2013)). The frequency of this variant in the general population, 0.000026 (3/113580 chromosomes (Genome Aggregation Database)), is consistent with pathogenicity. Based on the available information, this variant is classified as pathogenic.

Baylor Genetics
Classification: Pathogenic for Breast-ovarian cancer, familial, susceptibility to, 1. Last evaluated: 2023-12-14. Review status: criteria provided, single submitter. Criteria: ACMG Guidelines, 2015. Collection method: clinical testing. Allele origin: unknown.

Blueprint Genetics
Classification: Pathogenic for BRCA1-related disorders. Last evaluated: 2022-07-17. Review status: criteria provided, single submitter. Criteria: ACMG Guidelines, 2015. Collection method: clinical testing. Allele origin: germline. Affected: yes. Observed: 2 variant alleles.

Department of Pathology and Laboratory Medicine, Sinai Health System
Classification: Pathogenic for Familial cancer of breast; Breast-ovarian cancer, familial, susceptibility to, 1; Fanconi anemia, complementation group S. Last evaluated: 2019-10-18. Review status: criteria provided, single submitter. Criteria: ACMG Guidelines, 2015. Collection method: clinical testing. Allele origin: germline.

GeneDx
Classification: Pathogenic. Last evaluated: 2017-09-12. Review status: criteria provided, single submitter. Criteria: GeneDx Variant Classification (06012015). Collection method: clinical testing. Allele origin: germline. Affected: yes.
Comment: This pathogenic variant is denoted BRCA1 c.213-11T>G or IVS4-11T>G and consists of a T>G nucleotide substitution at the -11 position of intron 4 of the BRCA1 gene. This variant is also known as BRCA1 332-11T>G or BRCA1 IVS5-11T>G using alternate nomenclature. RNA and minigene assays have demonstrated that BRCA1 c.213-11T>G causes aberrant splicing through activation of a cryptic splice acceptor site, introducing a premature stop codon and leading to an abnormal message that is subject to nonsense-mediated mRNA decay or to an abnormal protein product (Bonnet 2008, Colombo 2013). This variant has been observed in multiple individuals with a personal and/or family history of breast and/or ovarian cancer, and has been shown to segregate with disease (Friedman 1994, Musolino 2005, John 2007, Colombo 2013, Song 2014, Wong-Brown 2015). We consider this variant to be pathogenic.

Laboratory for Molecular Medicine, Mass General Brigham Personalized Medicine
Classification: Pathogenic for Hereditary breast ovarian cancer syndrome. Last evaluated: 2017-07-20. Review status: criteria provided, single submitter. Criteria: LMM Criteria. Collection method: clinical testing. Allele origin: germline. Inheritance: Autosomal dominant inheritance. Observed: 2 variant alleles.
Comment: The c.213-11T>G variant in BRCA1 has been reported in >100 individuals with BRCA 1-associated cancers and has segregated with disease in multiple affected relati ves (Friedman 1994, John 2007, Smith 2012, Wong-Brown 2015, BIC database). This variant has also been reported by multiple clinical laboratories in ClinVar (Var iation ID# 37449). Additionally, this variant has been identified in 3/111540 Eu ropean chromosomes by the Genome Aggregation Database (gnomAD). Sequencing of patient RNA has shown that this variant leads to a retention of 59 base pairs at the 3' end of intron 5, which is predicted to r esult in a premature stop codon (Friedman 1994, Colombo 2013). Heterozygous loss of function of the BRCA1 gene is an established disease mechanism in individual s with hereditary breast and/or ovarian cancer (HBOC). In summary, this variant meets criteria to be classified as pathogenic for HBOC in an autosomal dominant manner based upon the frequency in patients and segregation studies. ACMG/AMP cr iteria applied: PS4, PP1_Strong.

Baylor Genetics
Classification: Pathogenic for Familial cancer of breast. Last evaluated: 2017-02-23. Review status: criteria provided, single submitter. Criteria: ACMG Guidelines, 2015. Collection method: clinical testing. Allele origin: germline. Inheritance: Autosomal dominant inheritance. Affected: yes. Observed: 1 variant allele.